The following is an entry in ClinVar:

NM_004551.3(NDUFS3):c.753T>A (p.Ser251Arg)

Gene: NDUFS3 (NADH:ubiquinone oxidoreductase core subunit S3; plus strand). Cytogenetic location: 11p11.2.
Variant type: single nucleotide variant.
Coding change: c.753T>A on transcript NM_004551.3 (MANE Select); coding-DNA position 753, T replaced by A.
Protein change: p.Ser251Arg; replaces serine 251 with arginine.
Molecular consequence: missense variant.
Genome position (GRCh38, 1-based): chr11:47,584,439, T>A. VCF-style: chr11-47584439-T-A. GRCh37 (hg19) VCF-style: chr11-47605991-T-A.
Other names: short protein forms S251R.
Identifiers: ClinVar variation 4538178 (VCV004538178.1).
Genomic context (GRCh38, chr11:47,584,439, plus strand): 5'-CAAATTTGACCTGAACAGCCCCTGGGAGGCTTTCCCAGTCTATCGCCAACCCCCGGAGAG[T>A]CTCAAGCTTGAAGCCGGAGACAAGAAGCCTGATGCCAAGTAGCTCCAGGGAACGCATGTG-3'
Protein context (NP_004542.1, residues 241-261): AFPVYRQPPE[Ser251Arg]LKLEAGDKKP

ClinVar aggregate classification (germline): Uncertain significance (1 of 4 stars; one submission).

gnomAD v4.1: 2 of 1,612,776 alleles (0.00012%); highest among the groups gnomAD compares: East Asian, 0.0045%; no homozygotes.

Submission:

GeneDx
Classification: Uncertain significance. Last evaluated: 2025-06-12. Review status: criteria provided, single submitter. Criteria: GeneDx Variant Classification Process June 2021. Collection method: clinical testing. Allele origin: germline. Affected: yes.
Comment: In silico analysis suggests that this missense variant does not alter protein structure/function; Has not been previously published as pathogenic or benign to our knowledge